The following is an entry in ClinVar:

NM_001354712.2(THRB):c.199A>G (p.Ile67Val)

Gene: THRB (thyroid hormone receptor beta; minus strand). Cytogenetic location: 3p24.2.
Variant type: single nucleotide variant.
Coding change: c.199A>G on transcript NM_001354712.2 (MANE Select); coding-DNA position 199, A replaced by G.
Protein change: p.Ile67Val; replaces isoleucine 67 with valine.
Molecular consequence: missense variant.
Genome position (GRCh38, 1-based): chr3:24,190,158, T>C on the plus strand (A>G on the coding strand, the complement: THRB is on the minus strand). VCF-style: chr3-24190158-T-C. GRCh37 (hg19) VCF-style: chr3-24231649-T-C.
Other names: c.199A>G, p.Ile67Val (NM_001128177.2, NM_001252634.2, NM_001354708.2 and 12 more transcripts); c.106A>G, p.Ile36Val (NM_001354714.2, NM_001354715.2); short protein forms I36V, I67V.
Identifiers: ClinVar variation 3032163 (VCV003032163.3), dbSNP rs147795893, ClinGen allele CA2287413.

ClinVar aggregate classification (germline): Uncertain significance (1 of 4 stars; one submission).

Conditions:
THRB-related disorder. Also called: THRB-related condition.

Allele frequency attached by ClinVar (database versions not stated): TOPMed 0.00002; gnomAD 0.00004; gnomAD exomes 0.00006; ExAC 0.00007; ESP Exome Variant Server 0.00015; 1000 Genomes Project 30x 0.00016; 1000 Genomes Project 0.00020.
gnomAD v4.1: 94 of 1,614,110 alleles (0.0058%); highest among the groups gnomAD compares: East Asian, 0.016%; no homozygotes.

Submission:

PreventionGenetics, part of Exact Sciences
Classification: Uncertain significance for THRB-related condition. Last evaluated: 2025-07-29. Review status: criteria provided, single submitter. Criteria: ACMG Guidelines, 2015. Collection method: clinical testing. Allele origin: germline.
Comment: The THRB c.199A>G variant is predicted to result in the amino acid substitution p.Ile67Val. To our knowledge, this variant has not been reported in the literature. This variant is reported in 0.018% of alleles in individuals of African descent in gnomAD. At this time, the clinical significance of this variant is uncertain due to the absence of conclusive functional and genetic evidence.